The following is an entry in ClinVar:

ClinVar aggregate classification (germline): Uncertain significance. Review status: criteria provided, multiple submitters, no conflicts (2 of 4 stars). 5 submissions from 5 submitters: Uncertain significance (4). 1 of the submissions does not count toward it. Last evaluated 2025-02-26.

Conditions:
Cerebral creatine deficiency syndrome. Also called: Creatine deficiency syndromes. Identifiers: Orphanet 79172, MedGen C5244016, MONDO:0000456.
Deficiency of guanidinoacetate methyltransferase (CCDS2). Also called: CEREBRAL CREATINE DEFICIENCY SYNDROME 2; GAMT DEFICIENCY; Guanidinoacetate Methyltransferase (GAMT) Deficiency. Identifiers: Orphanet 382, MedGen C0574080, MONDO:0012999, OMIM 612736.

Allele frequency attached by ClinVar (database versions not stated): 1000 Genomes Project 30x 0.00031; 1000 Genomes Project 0.00040; gnomAD 0.00001 and 0.00002; ExAC 0.00003; gnomAD exomes 0.00005 and 0.00003; TOPMed 0.00003.
gnomAD v4.1: 68 of 1,608,028 alleles (0.0042%); highest among the groups gnomAD compares: Admixed American, 0.01%; no homozygotes.

Submissions (5):

Athena Diagnostics
Classification: Uncertain significance. Last evaluated: 2025-02-26. Review status: criteria provided, single submitter. Criteria: Athena Diagnostics Criteria. Collection method: clinical testing. Allele origin: unknown.
Comment: Available data are insufficient to determine the clinical significance of the variant at this time. The frequency of this variant in the general population is uninformative in assessment of its pathogenicity. Polyphen and MutationTaster predict this amino acid change may be damaging to the protein.

GeneDx
Classification: Uncertain significance. Last evaluated: 2023-04-02. Review status: criteria provided, single submitter. Criteria: GeneDx Variant Classification Process June 2021. Collection method: clinical testing. Allele origin: germline. Affected: yes.
Comment: Not observed at significant frequency in large population cohorts (gnomAD); In silico analysis supports that this missense variant has a deleterious effect on protein structure/function; Has not been previously published as pathogenic or benign to our knowledge

Labcorp Genetics (formerly Invitae), Labcorp
Classification: Uncertain significance for Cerebral creatine deficiency syndrome. Last evaluated: 2022-09-07. Review status: criteria provided, single submitter. Criteria: Invitae Variant Classification Sherloc (09022015). Collection method: clinical testing. Allele origin: germline.
Comment: This sequence change replaces glycine, which is neutral and non-polar, with serine, which is neutral and polar, at codon 201 of the GAMT protein (p.Gly201Ser). This variant is present in population databases (rs540554423, gnomAD 0.01%). This variant has not been reported in the literature in individuals affected with GAMT-related conditions. ClinVar contains an entry for this variant (Variation ID: 205589). Algorithms developed to predict the effect of missense changes on protein structure and function are either unavailable or do not agree on the potential impact of this missense change (SIFT: "Tolerated"; PolyPhen-2: "Probably Damaging"; Align-GVGD: "Class C0"). In summary, the available evidence is currently insufficient to determine the role of this variant in disease. Therefore, it has been classified as a Variant of Uncertain Significance.

Illumina Laboratory Services, Illumina
Classification: Uncertain significance for Deficiency of guanidinoacetate methyltransferase. Last evaluated: 2018-01-12. Review status: criteria provided, single submitter. Criteria: ICSL Variant Classification Criteria 13 December 2019. Collection method: clinical testing. Allele origin: germline.

Natera, Inc.
Classification: Uncertain significance for Guanidinoacetate methyltransferase deficiency. Last evaluated: 2020-03-24. Review status: no assertion criteria provided. Collection method: clinical testing. Allele origin: germline. Not counted in ClinVar's aggregate classification.

Literature cited by the submitters: PubMed 31440721 (cited by Athena Diagnostics).

NM_000156.6(GAMT):c.601G>A (p.Gly201Ser)

Gene: GAMT (guanidinoacetate N-methyltransferase; minus strand). Cytogenetic location: 19p13.3.
Variant type: single nucleotide variant.
Coding change: c.601G>A on transcript NM_000156.6 (MANE Select); coding-DNA position 601, G replaced by A.
Protein change: p.Gly201Ser; replaces glycine 201 with serine.
Molecular consequence: missense variant.
Genome position (GRCh38, 1-based): chr19:1,397,469, C>T on the plus strand (G>A on the coding strand, the complement: GAMT is on the minus strand). VCF-style: chr19-1397469-C-T. GRCh37 (hg19) VCF-style: chr19-1397468-C-T.
Other names: p.G201S:GGC>AGC; short protein forms G201S.
Identifiers: ClinVar variation 205589 (VCV000205589.23), dbSNP rs540554423, ClinGen allele CA314822.